The following is an entry in ClinVar:

ClinVar aggregate classification (germline): Uncertain significance (1 of 4 stars; one submission).

Conditions:
Arrhythmogenic cardiomyopathy with wooly hair and keratoderma. Also called: Carvajal syndrome; Dilated cardiomyopathy with woolly hair and keratoderma; Arrhythmogenic cardiomyopathy with woolly hair and keratoderma; PALMOPLANTAR KERATODERMA WITH LEFT VENTRICULAR CARDIOMYOPATHY AND WOOLLY HAIR. Identifiers: Orphanet 65282, MedGen C1854063, MONDO:0011581, OMIM 605676.
Arrhythmogenic right ventricular dysplasia 8 (ARVD8). Also called: ARRHYTHMOGENIC RIGHT VENTRICULAR DYSPLASIA, FAMILIAL, 8; ARRHYTHMOGENIC RIGHT VENTRICULAR CARDIOMYOPATHY 8; Arrhythmogenic Right Ventricular Dysplasia/Cardiomyopathy 8. Identifiers: MedGen C1843896, MONDO:0011831, OMIM 607450.

Submission:

Labcorp Genetics (formerly Invitae), Labcorp
Classification: Uncertain significance for Arrhythmogenic cardiomyopathy with wooly hair and keratoderma; Arrhythmogenic right ventricular dysplasia 8. Last evaluated: 2024-11-24. Review status: criteria provided, single submitter. Criteria: Invitae Variant Classification Sherloc (09022015). Collection method: clinical testing. Allele origin: germline.
Comment: This sequence change replaces phenylalanine, which is neutral and non-polar, with leucine, which is neutral and non-polar, at codon 733 of the DSP protein (p.Phe733Leu). This variant is not present in population databases (gnomAD no frequency). This variant has not been reported in the literature in individuals affected with DSP-related conditions. ClinVar contains an entry for this variant (Variation ID: 1718098). An algorithm developed to predict the effect of missense changes on protein structure and function (PolyPhen-2) suggests that this variant is likely to be tolerated. In summary, the available evidence is currently insufficient to determine the role of this variant in disease. Therefore, it has been classified as a Variant of Uncertain Significance.

NM_004415.4(DSP):c.2197T>C (p.Phe733Leu)

Gene: DSP (desmoplakin; plus strand). Cytogenetic location: 6p24.3.
Variant type: single nucleotide variant.
Coding change: c.2197T>C on transcript NM_004415.4 (MANE Select); coding-DNA position 2197, T replaced by C.
Protein change: p.Phe733Leu; replaces phenylalanine 733 with leucine.
Molecular consequence: missense variant.
Genome position (GRCh38, 1-based): chr6:7,574,152, T>C. VCF-style: chr6-7574152-T-C. GRCh37 (hg19) VCF-style: chr6-7574385-T-C.
Other names: c.2197T>C, p.Phe733Leu (NM_001008844.3, NM_001319034.2); short protein forms F733L.
Identifiers: ClinVar variation 1718098 (VCV001718098.6), dbSNP rs2533903494, ClinGen allele CA362680779.